The following is an entry in ClinVar:

ClinVar aggregate classification (germline): Conflicting classifications of pathogenicity. Review status: criteria provided, conflicting classifications (1 of 4 stars). 7 submissions from 6 submitters: Uncertain significance (1); Benign (5); Likely benign (1). Last evaluated 2025-11-08.

Conditions:
Maturity-onset diabetes of the young (MODY). Also called: Maturity onset diabetes mellitus in young. Identifiers: Orphanet 552, MedGen C0342276, MONDO:0018911, HP:0004904.
Maturity-onset diabetes of the young type 1. Also called: HNF4A-Related Maturity-Onset Diabetes of the Young Type 1; MILD JUVENILE DIABETES MELLITUS; MODY type 1; Diabetes mellitus MODY type 1; MODY HNF4A related; MODY, type I. Identifiers: Orphanet 552, MedGen C1852093, MONDO:0007452, OMIM 125850. Disease mechanism: loss of function.
Familial hyperinsulinism. Also called: Congenital hyperinsulinism. Identifiers: Orphanet 276525, MedGen C3888018, MONDO:0017182. Disease mechanism: loss of function.

Allele frequency attached by ClinVar (database versions not stated): gnomAD 0.00001 and 0.00034; TOPMed 0.00010; 1000 Genomes Project 0.00280; 1000 Genomes Project 30x 0.00281; ExAC 0.00269.
gnomAD v4.1: 1,214 of 1,598,424 alleles (0.076%); highest among the groups gnomAD compares: South Asian, 1.3%; 18 homozygotes.

Submissions (7):

Labcorp Genetics (formerly Invitae), Labcorp
Classification: Benign. Last evaluated: 2025-11-08. Review status: criteria provided, single submitter. Criteria: Invitae Variant Classification Sherloc (09022015). Collection method: clinical testing. Allele origin: germline.

Athena Diagnostics
Classification: Benign. Last evaluated: 2020-12-11. Review status: criteria provided, single submitter. Criteria: Athena Diagnostics criteria. Collection method: clinical testing. Allele origin: unknown.

GeneDx
Classification: Benign. Last evaluated: 2020-09-24. Review status: criteria provided, single submitter. Criteria: GeneDx Variant Classification Process June 2021. Collection method: clinical testing. Allele origin: germline. Affected: yes.

Illumina Laboratory Services, Illumina
Classification: Likely benign for Familial hyperinsulinism. Last evaluated: 2018-01-12. Review status: criteria provided, single submitter. Criteria: ICSL Variant Classification Criteria 13 December 2019. Collection method: clinical testing. Allele origin: germline.
Comment: This variant was observed in the ICSL laboratory as part of a predisposition screen in an ostensibly healthy population. It had not been previously curated by ICSL or reported in the Human Gene Mutation Database (HGMD: prior to June 1st, 2018), and was therefore a candidate for classification through an automated scoring system. Utilizing variant allele frequency, disease prevalence and penetrance estimates, and inheritance mode, an automated score was calculated to assess if this variant is too frequent to cause the disease. Based on the score and internal cut-off values, a variant classified as likely benign is not then subjected to further curation. The score for this variant resulted in a classification of likely benign for this disease.

Illumina Laboratory Services, Illumina
Classification: Benign for Maturity-onset diabetes of the young type 1. Last evaluated: 2018-01-12. Review status: criteria provided, single submitter. Criteria: ICSL Variant Classification Criteria 13 December 2019. Collection method: clinical testing. Allele origin: germline.
Comment: This variant was observed in the ICSL laboratory as part of a predisposition screen in an ostensibly healthy population. It had not been previously curated by ICSL or reported in the Human Gene Mutation Database (HGMD: prior to June 1st, 2018), and was therefore a candidate for classification through an automated scoring system. Utilizing variant allele frequency, disease prevalence and penetrance estimates, and inheritance mode, an automated score was calculated to assess if this variant is too frequent to cause the disease. Based on the score and internal cut-off values, a variant classified as benign is not then subjected to further curation. The score for this variant resulted in a classification of benign for this disease.

Ambry Genetics
Classification: Benign for Maturity-onset diabetes of the young. Last evaluated: 2015-08-30. Review status: criteria provided, single submitter. Criteria: Ambry Variant Classification Scheme 2023. Collection method: clinical testing. Allele origin: germline.

Clinical Genomics, Uppaluri K&H Personalized Medicine Clinic
Classification: Uncertain significance for Maturity-onset diabetes of the young. Review status: criteria provided, single submitter. Criteria: K & H Uppaluri Personalized Medicine Clinic Variant Classification & Assertion Criteria_Updated V.1. Collection method: research. Allele origin: somatic. Inheritance: Autosomal dominant inheritance.
Comment: Mutations in HNF4A are associated with poor insulin secretion in response to hyperglycemia and lead to MODY1. Patients initially respond well to sulfonylureas but eventually become insulin dependent. However, no sufficient evidence is found to ascertain the role of this particular variant rs376287515 in Diabetes Mellitus or MODY yet.

Literature cited by the submitters: PubMed 20164212 (cited by Athena Diagnostics); PubMed 18268044 (cited by Clinical Genomics, Uppaluri K&H Personalized Medicine Clinic); PubMed 17563455 (cited by Clinical Genomics, Uppaluri K&H Personalized Medicine Clinic); DOI 10.1159/000334532 (cited by Clinical Genomics, Uppaluri K&H Personalized Medicine Clinic).

NM_175914.5(HNF4A):c.582+4A>G

Gene: HNF4A (hepatocyte nuclear factor 4 alpha; plus strand). Cytogenetic location: 20q13.12.
Variant type: single nucleotide variant.
Coding change: c.582+4A>G on transcript NM_175914.5 (MANE Select); 4 bases into the intron after coding-DNA position 582, A replaced by G.
Molecular consequence: intron variant.
Genome position (GRCh38, 1-based): chr20:44,414,666, A>G. VCF-style: chr20-44414666-A-G. GRCh37 (hg19) VCF-style: chr20-43043306-A-G.
Other names: c.573+4A>G (NM_001287182.2, NM_001287183.2, NM_001287184.2); c.582+4A>G (NM_001030003.3, NM_001030004.3); c.627+4A>G (NM_001258355.2); c.648+4A>G (NM_178849.3, NM_000457.6, NM_178850.3).
Identifiers: ClinVar variation 749281 (VCV000749281.17), dbSNP rs376287515, ClinGen allele CA9870301.